The following is an entry in ClinVar:

NM_005228.5(EGFR):c.3056C>G (p.Pro1019Arg)

Gene: EGFR (epidermal growth factor receptor; plus strand). Cytogenetic location: 7p11.2.
Variant type: single nucleotide variant.
Coding change: c.3056C>G on transcript NM_005228.5 (MANE Select); coding-DNA position 3056, C replaced by G.
Protein change: p.Pro1019Arg; replaces proline 1019 with arginine.
Molecular consequence: missense variant.
Genome position (GRCh38, 1-based): chr7:55,201,297, C>G. VCF-style: chr7-55201297-C-G. GRCh37 (hg19) VCF-style: chr7-55268990-C-G.
Other names: c.2921C>G, p.Pro974Arg (NM_001346897.2, NM_001346899.2); c.3056C>G, p.Pro1019Arg (NM_001346898.2); c.2897C>G, p.Pro966Arg (NM_001346900.2); c.2255C>G, p.Pro752Arg (NM_001346941.2); short protein forms P1019R, P752R, P966R, P974R.
Identifiers: ClinVar variation 4640015 (VCV004640015.1).

ClinVar aggregate classification (germline): Uncertain significance (1 of 4 stars; one submission).

Conditions:
Hereditary cancer-predisposing syndrome. Also called: Neoplastic Syndromes, Hereditary; Tumor predisposition; Hereditary Cancer Syndrome; Hereditary neoplastic syndrome. Identifiers: Orphanet 140162, MedGen C0027672, MeSH D009386, MONDO:0015356.

Submission:

Ambry Genetics
Classification: Uncertain significance for Hereditary cancer-predisposing syndrome. Last evaluated: 2025-12-10. Review status: criteria provided, single submitter. Criteria: Ambry Variant Classification Scheme 2023. Collection method: clinical testing. Allele origin: germline.
Comment: The p.P1019R variant (also known as c.3056C>G), located in coding exon 25 of the EGFR gene, results from a C to G substitution at nucleotide position 3056. The proline at codon 1019 is replaced by arginine, an amino acid with dissimilar properties. This amino acid position is conserved. In addition, this alteration is predicted to be deleterious by in silico analysis. Based on the available evidence, the clinical significance of this variant remains unclear.